The following is an entry in ClinVar:

NM_014236.4(GNPAT):c.616G>A (p.Ala206Thr)

Gene: GNPAT (glyceronephosphate O-acyltransferase; plus strand). Cytogenetic location: 1q42.2.
Variant type: single nucleotide variant.
Coding change: c.616G>A on transcript NM_014236.4 (MANE Select); coding-DNA position 616, G replaced by A.
Protein change: p.Ala206Thr; replaces alanine 206 with threonine.
Molecular consequence: missense variant.
Genome position (GRCh38, 1-based): chr1:231,265,340, G>A. VCF-style: chr1-231265340-G-A. GRCh37 (hg19) VCF-style: chr1-231401086-G-A.
Other names: c.433G>A, p.Ala145Thr (NM_001316350.2); short protein forms A145T, A206T.
Identifiers: ClinVar variation 5002973 (VCV005002973.1).

ClinVar aggregate classification (germline): Uncertain significance (1 of 4 stars; one submission).

Submission:

OLLIN Analises Genomicas, OLLIN
Classification: Uncertain significance. Last evaluated: 2026-08-06. Review status: criteria provided, single submitter. Criteria: ACMG Guidelines 2015 PMID 25741868. Collection method: clinical testing. Allele origin: germline.
Comment: This missense variant, located in exon 5 (of 16), has been reported in ClinVar (accession VCV001994711.5) and in gnomAD with an allele frequency of 0.000062%. However, to our knowledge, it has not been reported in the scientific literature. In silico analysis predicts that this variant has a deleterious effect. According to the currently available evidence, this variant has been classified as uncertain significance (PM2_P, PP3_S).